The following is an entry in ClinVar:

NM_001792.5(CDH2):c.1361C>T (p.Thr454Ile)

Gene: CDH2 (cadherin 2; minus strand). Cytogenetic location: 18q12.1.
Variant type: single nucleotide variant.
Coding change: c.1361C>T on transcript NM_001792.5 (MANE Select); coding-DNA position 1361, C replaced by T.
Protein change: p.Thr454Ile; replaces threonine 454 with isoleucine.
Molecular consequence: missense variant.
Genome position (GRCh38, 1-based): chr18:27,990,334, G>A on the plus strand (C>T on the coding strand, the complement: CDH2 is on the minus strand). VCF-style: chr18-27990334-G-A. GRCh37 (hg19) VCF-style: chr18-25570298-G-A.
Other names: c.1268C>T, p.Thr423Ile (NM_001308176.2); short protein forms T423I, T454I.
Identifiers: ClinVar variation 1320735 (VCV001320735.2), dbSNP rs1387623128, ClinGen allele CA402109395.
Genomic context (GRCh38, chr18:27,990,334, plus strand): 5'-ATTCCCTTGGCTAATGGCACTTGATTTTCTGCAGCAACAGTAAGGACAAACATCCTATTT[G>A]TTTCAAAGTCGATTGGCTGGAAAATAAAAGGGAAGCCATATTTTTGCAGGAAATAAGAAT-3'
Protein context (NP_001783.2, residues 444-464): VTVVKPIDFE[Thr454Ile]NRMFVLTVAA

ClinVar aggregate classification (germline): Uncertain significance (1 of 4 stars; one submission).

Submission:

GeneDx
Classification: Uncertain significance. Last evaluated: 2020-10-26. Review status: criteria provided, single submitter. Criteria: GeneDx Variant Classification Process June 2021. Collection method: clinical testing. Allele origin: germline. Affected: yes.
Comment: Not observed in large population cohorts (Lek et al., 2016); In silico analysis supports that this missense variant does not alter protein structure/function; Has not been previously published as pathogenic or benign to our knowledge